The following is an entry in ClinVar:

NM_000059.4(BRCA2):c.2044A>T (p.Ile682Phe)

Gene: BRCA2 (BRCA2 DNA repair associated; plus strand). Cytogenetic location: 13q13.1.
Variant type: single nucleotide variant.
Coding change: c.2044A>T on transcript NM_000059.4 (MANE Select); coding-DNA position 2044, A replaced by T.
Protein change: p.Ile682Phe; replaces isoleucine 682 with phenylalanine.
Molecular consequence: missense variant.
Genome position (GRCh38, 1-based): chr13:32,336,399, A>T. VCF-style: chr13-32336399-A-T. GRCh37 (hg19) VCF-style: chr13-32910536-A-T.
Other names: 2272A>T; short protein forms I682F.
Identifiers: ClinVar variation 91767 (VCV000091767.23), dbSNP rs398122738, ClinGen allele CA014207.

ClinVar aggregate classification (germline): Conflicting classifications of pathogenicity. Review status: criteria provided, conflicting classifications (1 of 4 stars). 7 submissions from 7 submitters: Uncertain significance (4); Likely benign (2). 1 of the submissions does not count toward it. Last evaluated 2025-06-14.

Conditions:
Hereditary breast ovarian cancer syndrome. Also called: Breast and ovarian cancer; Hereditary breast and ovarian cancer; Hereditary breast and ovarian cancer syndrome; BRCA1- and BRCA2-Associated Hereditary Breast and Ovarian Cancer; Hereditary breast and ovarian cancer syndrome (HBOC); Hereditary breast and/or ovarian cancer syndrome. Identifiers: Orphanet 145, MedGen C0677776, MeSH D061325, MONDO:0003582. Disease mechanism: loss of function.
Hereditary cancer-predisposing syndrome. Also called: Tumor predisposition; Hereditary Cancer Syndrome; Neoplastic Syndromes, Hereditary; Hereditary neoplastic syndrome. Identifiers: Orphanet 140162, MedGen C0027672, MeSH D009386, MONDO:0015356.
Breast-ovarian cancer, familial, susceptibility to, 2 (BROVCA2). Also called: BRCA2 Hereditary Breast and Ovarian Cancer. Identifiers: Orphanet 145, MedGen C2675520, MONDO:0012933, OMIM 612555. Disease mechanism: loss of function.

Allele frequency attached by ClinVar (database versions not stated): TOPMed 0.00001.

Submissions (7):

Ambry Genetics
Classification: Uncertain significance for Hereditary cancer-predisposing syndrome. Last evaluated: 2025-06-14. Review status: criteria provided, single submitter. Criteria: Ambry Variant Classification Scheme 2023. Collection method: clinical testing. Allele origin: germline.
Comment: The p.I682F variant (also known as c.2044A>T), located in coding exon 10 of the BRCA2 gene, results from an A to T substitution at nucleotide position 2044. The isoleucine at codon 682 is replaced by phenylalanine, an amino acid with highly similar properties. This amino acid position is not well conserved in available vertebrate species. In addition, this alteration is predicted to be tolerated by in silico analysis. Since supporting evidence is limited at this time, the clinical significance of this alteration remains unclear.

Labcorp Genetics (formerly Invitae), Labcorp
Classification: Uncertain significance for Hereditary breast ovarian cancer syndrome. Last evaluated: 2024-06-17. Review status: criteria provided, single submitter. Criteria: Invitae Variant Classification Sherloc (09022015). Collection method: clinical testing. Allele origin: germline.
Comment: This sequence change replaces isoleucine, which is neutral and non-polar, with phenylalanine, which is neutral and non-polar, at codon 682 of the BRCA2 protein (p.Ile682Phe). This variant is not present in population databases (gnomAD no frequency). This variant has not been reported in the literature in individuals affected with BRCA2-related conditions. ClinVar contains an entry for this variant (Variation ID: 91767). Advanced modeling of protein sequence and biophysical properties (such as structural, functional, and spatial information, amino acid conservation, physicochemical variation, residue mobility, and thermodynamic stability) performed at Invitae indicates that this missense variant is not expected to disrupt BRCA2 protein function with a negative predictive value of 95%. In summary, the available evidence is currently insufficient to determine the role of this variant in disease. Therefore, it has been classified as a Variant of Uncertain Significance.

All of Us Research Program, National Institutes of Health
Classification: Uncertain significance for Breast-ovarian cancer, familial, susceptibility to, 2. Last evaluated: 2023-09-04. Review status: criteria provided, single submitter. Criteria: ACMG Guidelines, 2015. Collection method: clinical testing. Allele origin: germline. Inheritance: Autosomal dominant inheritance. Observed: 1 variant allele, 1 heterozygote.
Comment: This missense variant replaces isoleucine with phenylalanine at codon 682 of the BRCA2 protein. Computational prediction suggests that this variant may not impact protein structure and function (internally defined REVEL score threshold <= 0.5, PMID: 27666373). Splice site prediction tools suggest that this variant may not impact RNA splicing. To our knowledge, functional studies have not been performed for this variant. This variant has not been reported in individuals affected with hereditary cancer in the literature. This variant has not been identified in the general population by the Genome Aggregation Database (gnomAD). The available evidence is insufficient to determine the role of this variant in disease conclusively. Therefore, this variant is classified as a Variant of Uncertain Significance.

This study involves interpretation of variants in research participants for the purpose of population health screening. Participant phenotype was not available at the time of variant classification. Additional details can be found in publication PMID: 35346344, PMCID: PMC8962531

Color Diagnostics, LLC DBA Color Health
Classification: Uncertain significance for Hereditary cancer-predisposing syndrome. Last evaluated: 2023-08-23. Review status: criteria provided, single submitter. Criteria: ACMG Guidelines, 2015. Collection method: clinical testing. Allele origin: germline.
Comment: This missense variant replaces isoleucine with phenylalanine at codon 682 of the BRCA2 protein. Computational prediction suggests that this variant may not impact protein structure and function (internally defined REVEL score threshold <= 0.5, PMID: 27666373). To our knowledge, functional studies have not been reported for this variant. This variant has not been reported in individuals affected with BRCA2-related disorders in the literature. This variant has not been identified in the general population by the Genome Aggregation Database (gnomAD). The available evidence is insufficient to determine the role of this variant in disease conclusively. Therefore, this variant is classified as a Variant of Uncertain Significance.

University of Washington Department of Laboratory Medicine, University of Washington
Classification: Likely benign for Hereditary cancer-predisposing syndrome. Last evaluated: 2023-03-23. Review status: criteria provided, single submitter. Criteria: Dines et al. (Genet Med. 2020). Collection method: curation. Allele origin: germline.
Comment: Missense variant in a coldspot region where missense variants are very unlikely to be pathogenic (PMID:31911673).

BRCA2 exon 11 coldspot. Reclassification based on statistical prior probability.

Institute for Biomarker Research, Medical Diagnostic Laboratories, L.L.C.
Classification: Likely benign for Hereditary cancer-predisposing syndrome. Last evaluated: 2017-07-12. Review status: criteria provided, single submitter. Criteria: ACMG Guidelines, 2015. Collection method: clinical testing. Allele origin: germline.

Sharing Clinical Reports Project (SCRP)
Classification: Uncertain significance for Breast-ovarian cancer, familial 2. Last evaluated: 2012-09-25. Review status: no assertion criteria provided. Collection method: clinical testing. Allele origin: germline. Not counted in ClinVar's aggregate classification.